The following is an entry in ClinVar:

NM_000051.4(ATM):c.8367A>T (p.Lys2789Asn)

Genes: ATM (ATM serine/threonine kinase; plus strand), C11orf65 (chromosome 11 open reading frame 65; minus strand). Cytogenetic location: 11q22.3.
Variant type: single nucleotide variant.
Coding change: c.8367A>T on transcript NM_000051.4 (MANE Select); coding-DNA position 8367, A replaced by T.
Protein change: p.Lys2789Asn; replaces lysine 2789 with asparagine.
Molecular consequence: missense variant. On other transcripts: intron variant (2).
Genome position (GRCh38, 1-based): chr11:108,343,320, A>T. VCF-style: chr11-108343320-A-T. GRCh37 (hg19) VCF-style: chr11-108214047-A-T.
Other names: c.8367A>T, p.Lys2789Asn (NM_001351834.2); c.641-34249T>A (NM_001330368.2); c.695-8028T>A (NM_001351110.2); short protein forms K2789N.
Identifiers: ClinVar variation 4841355 (VCV004841355.1).

ClinVar aggregate classification (germline): Uncertain significance (1 of 4 stars; one submission).

Conditions:
Hereditary cancer-predisposing syndrome. Also called: Tumor predisposition; Hereditary neoplastic syndrome; Hereditary Cancer Syndrome; Neoplastic Syndromes, Hereditary. Identifiers: Orphanet 140162, MedGen C0027672, MeSH D009386, MONDO:0015356.

Submission:

Ambry Genetics
Classification: Uncertain significance for Hereditary cancer-predisposing syndrome. Last evaluated: 2025-12-24. Review status: criteria provided, single submitter. Criteria: Ambry Variant Classification Scheme 2023. Collection method: clinical testing. Allele origin: germline.
Comment: The p.K2789N variant (also known as c.8367A>T), located in coding exon 56 of the ATM gene, results from an A to T substitution at nucleotide position 8367. The lysine at codon 2789 is replaced by asparagine, an amino acid with similar properties. This amino acid position is conserved. In addition, this alteration is predicted to be tolerated by in silico analysis. Based on the available evidence, the clinical significance of this variant remains unclear.